The following is an entry in ClinVar:

ClinVar aggregate classification (germline): Benign/Likely benign. Review status: criteria provided, multiple submitters, no conflicts (2 of 4 stars). 4 submissions from 4 submitters: Benign (1); Likely benign (1). 2 of the submissions do not count toward it. Last evaluated 2025-02-16.

Conditions:
Leber optic atrophy (LHON). Also called: Leber hereditary optic neuropathy; Leber's disease; Leber's optic atrophy; Optic Atrophy, Hereditary, Leber. Identifiers: Orphanet 104, MedGen C0917796, MONDO:0010788, OMIM 535000, HP:0001112.
Leigh syndrome (NULS). Also called: Leigh's syndrome; Leigh Disease; Leigh's necrotizing encephalopathy; Leigh's disease; Subacute necrotizing encephalopathy; Necrotizing encephalopathy infantile subacute of Leigh. Identifiers: Orphanet 506, MedGen C2931891, MONDO:0009723, OMIM 256000.

Submissions (4):

Laboratory of Genetics, Children's Clinical University Hospital Latvia
Classification: Likely benign. Last evaluated: 2025-02-16. Review status: criteria provided, single submitter. Criteria: ACMG Guidelines, 2015. Collection method: clinical testing. Allele origin: germline. Affected: yes.

Wong Mito Lab, Molecular and Human Genetics, Baylor College of Medicine
Classification: Benign for Leigh syndrome. Last evaluated: 2019-10-17. Review status: criteria provided, single submitter. Criteria: Modified ACMG Guidelines (Unpublished). Collection method: clinical testing. Allele origin: germline.
Comment: The NC_012920.1:m.13708G>A (YP_003024036.1:p.Ala458Thr) variant in MTND5 gene is interpretated to be a Benign variant based on the modified ACMG guidelines (unpublished). This variant meets the following evidence codes: BA1

GeneReviews
Classification: Uncertain significance for Leber Hereditary Optic Neuropathy. Last evaluated: 2013-09-19. Review status: no assertion criteria provided. Collection method: curation. Allele origin: unknown. Not counted in ClinVar's aggregate classification.
ClinVar note: Converted during submission from unknown to Uncertain significance.

OMIM
Classification: Pathogenic for LEBER OPTIC ATROPHY. Last evaluated: 1992-09-30. Review status: no assertion criteria provided. Collection method: literature only. Allele origin: germline. Not counted in ClinVar's aggregate classification.

Literature cited by the submitters: PubMed 1732158 (cited by OMIM); PubMed 1900003 (cited by OMIM); PubMed 1764087 (cited by OMIM); PubMed 1417830 (cited by OMIM).

NC_012920.1(MT-ND5):m.13708G>A

Gene: MT-ND5 (mitochondrially encoded NADH dehydrogenase 5; plus strand).
Variant type: single nucleotide variant.
Genome position: chrM-13708-G-A.
Identifiers: ClinVar variation 9696 (VCV000009696.7), dbSNP rs28359178, ClinGen allele CA340935.